The following is an entry in ClinVar:

NM_001379291.1(BRD4):c.3919G>A (p.Ala1307Thr)

Gene: BRD4 (bromodomain containing 4; minus strand). Cytogenetic location: 19p13.12.
Variant type: single nucleotide variant.
Coding change: c.3919G>A on transcript NM_001379291.1 (MANE Select); coding-DNA position 3919, G replaced by A.
Protein change: p.Ala1307Thr; replaces alanine 1307 with threonine.
Molecular consequence: missense variant.
Genome position (GRCh38, 1-based): chr19:15,238,844, C>T on the plus strand (G>A on the coding strand, the complement: BRD4 is on the minus strand). VCF-style: chr19-15238844-C-T. GRCh37 (hg19) VCF-style: chr19-15349655-C-T.
Other names: c.3919G>A, p.Ala1307Thr (NM_058243.3); short protein forms A1307T.
Identifiers: ClinVar variation 1982306 (VCV001982306.4), dbSNP rs748234502, ClinGen allele CA9264484.

ClinVar aggregate classification (germline): Uncertain significance (1 of 4 stars; one submission).

Allele frequency attached by ClinVar (database versions not stated): gnomAD 0.00001; TOPMed 0.00002; ExAC 0.00003.
gnomAD v4.1: 12 of 1,601,512 alleles (0.00075%); highest among the groups gnomAD compares: East Asian, 0.009%; no homozygotes.

Submission:

Labcorp Genetics (formerly Invitae), Labcorp
Classification: Uncertain significance. Last evaluated: 2023-12-11. Review status: criteria provided, single submitter. Criteria: Invitae Variant Classification Sherloc (09022015). Collection method: clinical testing. Allele origin: germline.
Comment: This sequence change replaces alanine, which is neutral and non-polar, with threonine, which is neutral and polar, at codon 1307 of the BRD4 protein (p.Ala1307Thr). The frequency data for this variant in the population databases is considered unreliable, as metrics indicate poor data quality at this position in the gnomAD database. This variant has not been reported in the literature in individuals affected with BRD4-related conditions. ClinVar contains an entry for this variant (Variation ID: 1982306). Algorithms developed to predict the effect of missense changes on protein structure and function output the following: SIFT: "Not Available"; PolyPhen-2: "Benign"; Align-GVGD: "Not Available". The threonine amino acid residue is found in multiple mammalian species, which suggests that this missense change does not adversely affect protein function. In summary, the available evidence is currently insufficient to determine the role of this variant in disease. Therefore, it has been classified as a Variant of Uncertain Significance.